The following is an entry in ClinVar:

ClinVar aggregate classification (germline): Pathogenic (1 of 4 stars; one submission).

Allele frequency attached by ClinVar (database versions not stated): TOPMed below 0.00001; gnomAD exomes below 0.00001.
gnomAD v4.1: 1 of 1,514,476 alleles (0.000066%); no homozygotes.

Submission:

Labcorp Genetics (formerly Invitae), Labcorp
Classification: Pathogenic. Last evaluated: 2020-01-24. Review status: criteria provided, single submitter. Criteria: Invitae Variant Classification Sherloc (09022015). Collection method: clinical testing. Allele origin: germline.
Comment: For these reasons, this variant has been classified as Pathogenic. Advanced modeling of protein sequence and biophysical properties (such as structural, functional, and spatial information, amino acid conservation, physicochemical variation, residue mobility, and thermodynamic stability) performed at Invitae indicates that this missense variant is expected to disrupt C5orf42 protein function. This variant has been observed in individual(s) with clinical features of Joubert syndrome (Invitae). In at least one individual the data is consistent with the variant being in trans (on the opposite chromosome) from a pathogenic variant. ClinVar contains an entry for this variant (Variation ID: 537708). This variant is not present in population databases (ExAC no frequency). This sequence change replaces glycine with valine at codon 78 of the C5orf42 protein (p.Gly78Val). The glycine residue is weakly conserved and there is a moderate physicochemical difference between glycine and valine.

NM_001384732.1(CPLANE1):c.233G>T (p.Gly78Val)

Gene: CPLANE1 (ciliogenesis and planar polarity effector complex subunit 1; minus strand). Cytogenetic location: 5p13.2.
Variant type: single nucleotide variant.
Coding change: c.233G>T on transcript NM_001384732.1 (MANE Select); coding-DNA position 233, G replaced by T.
Protein change: p.Gly78Val; replaces glycine 78 with valine.
Molecular consequence: missense variant.
Genome position (GRCh38, 1-based): chr5:37,245,583, C>A on the plus strand (G>T on the coding strand, the complement: CPLANE1 is on the minus strand). VCF-style: chr5-37245583-C-A. GRCh37 (hg19) VCF-style: chr5-37245685-C-A.
Other names: c.233G>T, p.Gly78Val (NM_023073.4); short protein forms G78V.
Identifiers: ClinVar variation 537708 (VCV000537708.9), dbSNP rs1554117507, ClinGen allele CA359523704.